The following is an entry in ClinVar:

ClinVar aggregate classification (germline): Likely benign (1 of 4 stars; one submission).

gnomAD v4.1: 96 of 1,614,022 alleles (0.0059%); highest among the groups gnomAD compares: African/African-American, 0.072%; no homozygotes.

Submission:

CeGaT Center for Human Genetics Tuebingen
Classification: Likely benign. Last evaluated: 2026-03-01. Review status: criteria provided, single submitter. Criteria: CeGaT Center For Human Genetics Tuebingen Variant Classification Criteria Version 2. Collection method: clinical testing. Allele origin: germline. Affected: yes. Observed: 1 variant allele.
Comment: LSS: BP4, BP7

NM_002340.6(LSS):c.450C>T (p.Thr150=)

Gene: LSS (lanosterol synthase; minus strand). Cytogenetic location: 21q22.3.
Variant type: single nucleotide variant.
Coding change: c.450C>T on transcript NM_002340.6 (MANE Select); coding-DNA position 450, C replaced by T.
Protein change: p.Thr150=; no amino-acid change (threonine 150 retained).
Molecular consequence: synonymous variant.
Genome position (GRCh38, 1-based): chr21:46,221,954, G>A on the plus strand (C>T on the coding strand, the complement: LSS is on the minus strand). VCF-style: chr21-46221954-G-A. GRCh37 (hg19) VCF-style: chr21-47641868-G-A.
Other names: c.450C>T, p.Thr150= (NM_001001438.3); c.417C>T, p.Thr139= (NM_001145436.2); c.210C>T, p.Thr70= (NM_001145437.2).
Identifiers: ClinVar variation 4821858 (VCV004821858.4).